The following is an entry in ClinVar:

ClinVar aggregate classification (germline): Pathogenic (1 of 4 stars; one submission).

Conditions:
Intellectual disability, autosomal recessive 53 (NEDHSCA). Also called: NEURODEVELOPMENTAL DISORDER WITH OR WITHOUT HYPOTONIA, SEIZURES, AND CEREBELLAR ATROPHY; GLYCOSYLPHOSPHATIDYLINOSITOL BIOSYNTHESIS DEFECT 13; Mental retardation, autosomal recessive 53. Identifiers: Orphanet 488635, MedGen C4310794, MONDO:0014832, OMIM 616917.

gnomAD v4.1: 3 of 1,613,786 alleles (0.00019%); highest among the groups gnomAD compares: Non-Finnish European, 0.00025%; no homozygotes.

Submission:

Labcorp Genetics (formerly Invitae), Labcorp
Classification: Pathogenic for Intellectual disability, autosomal recessive 53. Last evaluated: 2026-01-29. Review status: criteria provided, single submitter. Criteria: Invitae Variant Classification Sherloc (09022015). Collection method: clinical testing. Allele origin: germline.
Comment: This sequence change affects a donor splice site in intron 12 of the PIGG gene. While this variant is not anticipated to result in nonsense mediated decay, it likely alters RNA splicing and results in a disrupted protein product. This variant is not present in population databases (gnomAD no frequency). This variant has not been reported in the literature in individuals affected with PIGG-related conditions. Variants that disrupt the consensus splice site are a relatively common cause of aberrant splicing (PMID: 17576681, 9536098). Algorithms developed to predict the effect of sequence changes on RNA splicing suggest that this variant may disrupt the consensus splice site. This variant disrupts a region of the PIGG protein in which other variant(s) (p.Tyr934*) have been determined to be pathogenic (PMID: 34113002). This suggests that this is a clinically significant region of the protein, and that variants that disrupt it are likely to be disease-causing. For these reasons, this variant has been classified as Pathogenic.

Literature cited by the submitters: PubMed 17576681; PubMed 9536098; PubMed 34113002.

NM_001127178.3(PIGG):c.2735+1G>T

Gene: PIGG (phosphatidylinositol glycan anchor biosynthesis class G (EMM blood group); plus strand). Cytogenetic location: 4p16.3.
Variant type: single nucleotide variant.
Coding change: c.2735+1G>T on transcript NM_001127178.3 (MANE Select); the canonical splice donor site of the intron after coding-DNA position 2735, G replaced by T.
Molecular consequence: splice donor variant.
Genome position (GRCh38, 1-based): chr4:533,982, G>T. VCF-style: chr4-533982-G-T. GRCh37 (hg19) VCF-style: chr4-527771-G-T.
Other names: c.1637+1G>T (NM_001345994.2); c.2468+1G>T (NM_001345986.2, NM_001289051.2); c.2444+1G>T (NM_001345987.2); c.1202+1G>T (NM_001345991.2, NM_001345990.2); c.1706+1G>T (NM_001345988.2); c.2711+1G>T (NM_017733.5); c.2336+1G>T (NM_001289052.2).
Identifiers: ClinVar variation 4746230 (VCV004746230.1).
Genomic context (GRCh38, chr4:533,982, plus strand): 5'-CGCAGGGCCTGTGCTGTGGGCCAGCCACTTAGTGCACTTCCTGAGCTCAGAAACACGCAG[G>T]TGAGGCGCCTCTCTGCCGTCAGCACAGTTCTGGGGGCCGGCTGCCTGGTTTTAAGGGTCG-3'